The following is an entry in ClinVar:

ClinVar aggregate classification (germline): Benign/Likely benign. Review status: criteria provided, multiple submitters, no conflicts (2 of 4 stars). 8 submissions from 8 submitters: Benign (5); Likely benign (3). Last evaluated 2026-07-01.

Conditions:
DYRK1A-related intellectual disability syndrome (MRD7). Also called: DYRK1A Syndrome; Intellectual developmental disorder, autosomal dominant 7. Identifiers: Orphanet 464306, MedGen C5568143, MONDO:0013578, OMIM 614104.
Inborn genetic diseases. Identifiers: MedGen C0950123, MeSH D030342.

Allele frequency attached by ClinVar (database versions not stated): gnomAD exomes 0.00048 and 0.00019; ExAC 0.00051; gnomAD 0.00153 and 0.00165; ESP Exome Variant Server 0.00154; 1000 Genomes Project 30x 0.00172; 1000 Genomes Project 0.00180; TOPMed 0.00182.
gnomAD v4.1: 543 of 1,613,634 alleles (0.034%); highest among the groups gnomAD compares: African/African-American, 0.46%; 1 homozygote.

Submissions (8):

CeGaT Center for Human Genetics Tuebingen
Classification: Likely benign. Last evaluated: 2026-07-01. Review status: criteria provided, single submitter. Criteria: CeGaT Center For Human Genetics Tuebingen Variant Classification Criteria Version 2. Collection method: clinical testing. Allele origin: germline. Affected: yes. Observed: 4 variant alleles.
Comment: DYRK1A: BP4, BP7, BS1

Labcorp Genetics (formerly Invitae), Labcorp
Classification: Benign for DYRK1A-related intellectual disability syndrome. Last evaluated: 2026-01-26. Review status: criteria provided, single submitter. Criteria: Invitae Variant Classification Sherloc (09022015). Collection method: clinical testing. Allele origin: germline.

Athena Diagnostics
Classification: Benign. Last evaluated: 2024-12-09. Review status: criteria provided, single submitter. Criteria: Athena Diagnostics Criteria. Collection method: clinical testing. Allele origin: unknown.
Comment: The frequency of this variant in the general population is higher than would generally be expected for pathogenic variants in this gene. Computational tools yielded predictions that this variant is unlikely to have an effect on normal RNA splicing. This nucleotide position exhibits low evolutionary conservation.

Blueprint Genetics
Classification: Likely benign. Last evaluated: 2024-11-11. Review status: criteria provided, single submitter. Criteria: ACMG Guidelines, 2015. Collection method: clinical testing. Allele origin: germline.

Mayo Clinic Laboratories, Mayo Clinic
Classification: Benign. Last evaluated: 2022-03-09. Review status: criteria provided, single submitter. Criteria: ACMG Guidelines, 2015. Collection method: clinical testing. Allele origin: germline. Observed: 2 variant alleles.
Comment: BS1, BS2, BP4, BP7

Genetic Services Laboratory, University of Chicago
Classification: Benign. Last evaluated: 2017-04-14. Review status: criteria provided, single submitter. Criteria: ACMG Guidelines, 2015. Collection method: clinical testing. Allele origin: germline. Affected: no.

Ambry Genetics
Classification: Likely benign for Inborn genetic diseases. Last evaluated: 2016-07-28. Review status: criteria provided, single submitter. Criteria: Ambry Variant Classification Scheme 2023. Collection method: clinical testing. Allele origin: germline.

GeneDx
Classification: Benign. Last evaluated: 2016-04-25. Review status: criteria provided, single submitter. Criteria: GeneDx Variant Classification (06012015). Collection method: clinical testing. Allele origin: germline. Affected: yes.
Comment: This variant is considered likely benign or benign based on one or more of the following criteria: it is a conservative change, it occurs at a poorly conserved position in the protein, it is predicted to be benign by multiple in silico algorithms, and/or has population frequency not consistent with disease.

NM_001347721.2(DYRK1A):c.804G>A (p.Ala268=)

Gene: DYRK1A (dual specificity tyrosine phosphorylation regulated kinase 1A; plus strand). Cytogenetic location: 21q22.13.
Variant type: single nucleotide variant.
Coding change: c.804G>A on transcript NM_001347721.2 (MANE Select); coding-DNA position 804, G replaced by A.
Protein change: p.Ala268=; no amino-acid change (alanine 268 retained).
Molecular consequence: synonymous variant.
Genome position (GRCh38, 1-based): chr21:37,490,341, G>A. VCF-style: chr21-37490341-G-A. GRCh37 (hg19) VCF-style: chr21-38862643-G-A.
Other names: p.Ala277=; c.831G>A (NM_001396.4); c.804G>A, p.Ala268= (NM_001347722.2, NM_130436.2); c.717G>A, p.Ala239= (NM_001347723.2); c.831G>A, p.Ala277= (NM_001396.5, NM_101395.2, NM_130438.2).
Identifiers: ClinVar variation 383347 (VCV000383347.29), dbSNP rs138086853, ClinGen allele CA10023855.